The following is an entry in ClinVar:

ClinVar aggregate classification (germline): Uncertain significance (1 of 4 stars; one submission).

Conditions:
Dilated cardiomyopathy 1G (CMD1G). Identifiers: Orphanet 154, MedGen C1858763, MONDO:0011400, OMIM 604145.

Submission:

Baylor Genetics
Classification: Uncertain significance for Dilated cardiomyopathy 1G. Last evaluated: 2020-05-05. Review status: criteria provided, single submitter. Criteria: ACMG Guidelines, 2015. Collection method: clinical testing. Allele origin: unknown. Affected: yes.
Comment: This variant was determined to be of uncertain significance according to ACMG Guidelines, 2015 [PMID:25741868].

NM_001267550.2(TTN):c.82325T>C (p.Phe27442Ser)

Genes: TTN (titin; minus strand), TTN-AS1 (TTN antisense RNA 1; plus strand). Cytogenetic location: 2q31.2.
Variant type: single nucleotide variant.
Coding change: c.82325T>C on transcript NM_001267550.2 (MANE Select); coding-DNA position 82325, T replaced by C.
Protein change: p.Phe27442Ser; replaces phenylalanine 27442 with serine.
Molecular consequence: missense variant.
Genome position (GRCh38, 1-based): chr2:178,563,807, A>G on the plus strand (T>C on the coding strand, the complement: TTN is on the minus strand). VCF-style: chr2-178563807-A-G. GRCh37 (hg19) VCF-style: chr2-179428534-A-G.
Other names: c.77402T>C, p.Phe25801Ser (NM_001256850.1); c.55130T>C, p.Phe18377Ser (NM_003319.4); c.74621T>C, p.Phe24874Ser (NM_133378.4); c.55505T>C, p.Phe18502Ser (NM_133432.3); c.55706T>C, p.Phe18569Ser (NM_133437.4); short protein forms F18569S, F24874S, F18377S, F18502S, F25801S, F27442S.
Identifiers: ClinVar variation 1029096 (VCV001029096.1), dbSNP rs998149958, ClinGen allele CA349574096.